The following is an entry in ClinVar:

ClinVar aggregate classification (germline): Uncertain significance. Review status: criteria provided, multiple submitters, no conflicts (2 of 4 stars). 2 submissions from 2 submitters: Uncertain significance (2). Last evaluated 2024-11-30.

Conditions:
BRCA2-related disorder. Also called: BRCA2-related condition; BRCA2-related disorders. Identifiers: MedGen CN239275.
Hereditary breast ovarian cancer syndrome. Also called: Hereditary breast and ovarian cancer; Hereditary breast and ovarian cancer syndrome; Hereditary breast and ovarian cancer syndrome (HBOC); Breast and ovarian cancer; Hereditary breast and/or ovarian cancer syndrome; BRCA1- and BRCA2-Associated Hereditary Breast and Ovarian Cancer. Identifiers: Orphanet 145, MedGen C0677776, MeSH D061325, MONDO:0003582. Disease mechanism: loss of function.

Submissions (2):

Labcorp Genetics (formerly Invitae), Labcorp
Classification: Uncertain significance for Hereditary breast ovarian cancer syndrome. Last evaluated: 2024-11-30. Review status: criteria provided, single submitter. Criteria: Invitae Variant Classification Sherloc (09022015). Collection method: clinical testing. Allele origin: germline.
Comment: This sequence change replaces valine, which is neutral and non-polar, with phenylalanine, which is neutral and non-polar, at codon 928 of the BRCA2 protein (p.Val928Phe). This variant is not present in population databases (gnomAD no frequency). This variant has not been reported in the literature in individuals affected with BRCA2-related conditions. ClinVar contains an entry for this variant (Variation ID: 2635332). Invitae Evidence Modeling of protein sequence and biophysical properties (such as structural, functional, and spatial information, amino acid conservation, physicochemical variation, residue mobility, and thermodynamic stability) indicates that this missense variant is not expected to disrupt BRCA2 protein function with a negative predictive value of 95%. In summary, the available evidence is currently insufficient to determine the role of this variant in disease. Therefore, it has been classified as a Variant of Uncertain Significance.

PreventionGenetics, part of Exact Sciences
Classification: Uncertain significance for BRCA2-related condition. Last evaluated: 2022-11-14. Review status: criteria provided, single submitter. Criteria: ACMG Guidelines, 2015. Collection method: clinical testing. Allele origin: germline.
Comment: The BRCA2 c.2782G>T variant is predicted to result in the amino acid substitution p.Val928Phe. To our knowledge, this variant has not been reported in the literature or in a large population database, indicating this variant is rare. At this time, the clinical significance of this variant is uncertain due to the absence of conclusive functional and genetic evidence.

NM_000059.4(BRCA2):c.2782G>T (p.Val928Phe)

Gene: BRCA2 (BRCA2 DNA repair associated; plus strand). Cytogenetic location: 13q13.1.
Variant type: single nucleotide variant.
Coding change: c.2782G>T on transcript NM_000059.4 (MANE Select); coding-DNA position 2782, G replaced by T.
Protein change: p.Val928Phe; replaces valine 928 with phenylalanine.
Molecular consequence: missense variant. On other transcripts: non-coding transcript variant (1), intron variant (2).
Genome position (GRCh38, 1-based): chr13:32,337,137, G>T. VCF-style: chr13-32337137-G-T. GRCh37 (hg19) VCF-style: chr13-32911274-G-T.
Other names: c.2782G>T, p.Val928Phe (NM_001406719.1, NM_001406720.1); c.1909+3750G>T (NM_001406721.1); c.424+6107G>T (NM_001406722.1); short protein forms V928F.
Identifiers: ClinVar variation 2635332 (VCV002635332.3), dbSNP rs1593897751, ClinGen allele CA387773710.